The following is an entry in ClinVar:

NM_004168.4(SDHA):c.1866G>A (p.Trp622Ter)

Gene: SDHA (succinate dehydrogenase complex flavoprotein subunit A; plus strand). Cytogenetic location: 5p15.33.
Variant type: single nucleotide variant.
Coding change: c.1866G>A on transcript NM_004168.4 (MANE Select); coding-DNA position 1866, G replaced by A.
Protein change: p.Trp622Ter; replaces tryptophan 622 with a stop codon.
Molecular consequence: nonsense.
Genome position (GRCh38, 1-based): chr5:254,464, G>A. VCF-style: chr5-254464-G-A. GRCh37 (hg19) VCF-style: chr5-254579-G-A.
Other names: c.1722G>A, p.Trp574Ter (NM_001294332.2); c.1623G>A, p.Trp541Ter (NM_001330758.2); c.1866G>A (NM_004168.2); short protein forms W541*, W574*, W622*.
Identifiers: ClinVar variation 656669 (VCV000656669.14), dbSNP rs1579445179, ClinGen allele CA359002008.
Genomic context (GRCh38, chr5:254,464, plus strand): 5'-TGAGTACGATTACTCCAAGCCCATCCAGGGGCAACAGAAGAAGCCCTTTGAGGAGCACTG[G>A]AGGAAGCACACCCTGTCCTATGTGGACGTTGGCACTGGGAAGGTCAGTGTGGAGCTCGTT-3'

ClinVar aggregate classification (germline): Conflicting classifications of pathogenicity. Review status: criteria provided, conflicting classifications (1 of 4 stars). 5 submissions from 5 submitters: Pathogenic (2); Likely pathogenic (2); Uncertain significance (1). Last evaluated 2026-02-12.

Conditions:
Hereditary cancer-predisposing syndrome. Also called: Tumor predisposition; Neoplastic Syndromes, Hereditary; Hereditary Cancer Syndrome; Hereditary neoplastic syndrome. Identifiers: Orphanet 140162, MedGen C0027672, MeSH D009386, MONDO:0015356.
Pheochromocytoma/paraganglioma syndrome 5. Also called: Paragangliomas 5; SDHA-Related Hereditary Paraganglioma-Pheochromocytoma Syndrome. Identifiers: Orphanet 29072, MedGen C3279992, MONDO:0013602, OMIM 614165.
Mitochondrial complex II deficiency, nuclear type 1. Also called: SUCCINATE CoQ REDUCTASE DEFICIENCY. Identifiers: Orphanet 3208, MedGen C5700310, MONDO:0100294, OMIM 252011.

Submissions (5):

Myriad Genetics, Inc.
Classification: Pathogenic for Pheochromocytoma/paraganglioma syndrome 5. Last evaluated: 2026-02-12. Review status: criteria provided, single submitter. Criteria: Myriad Autosomal Dominant, Autosomal Recessive and X-Linked Classification Criteria (2023). Collection method: clinical testing. Allele origin: unknown.
Comment: This variant is considered pathogenic. This variant creates a termination codon and is predicted to result in premature protein truncation.

Ambry Genetics
Classification: Pathogenic for Hereditary cancer-predisposing syndrome. Last evaluated: 2024-08-16. Review status: criteria provided, single submitter. Criteria: Ambry Variant Classification Scheme 2023. Collection method: clinical testing. Allele origin: germline.
Comment: The p.W622* pathogenic mutation (also known as c.1866G>A), located in coding exon 14 of the SDHA gene, results from a G to A substitution at nucleotide position 1866. This changes the amino acid from a tryptophan to a stop codon within coding exon 14. This alteration occurs at the 3' terminus of theSDHA gene, is not expected to trigger nonsense-mediated mRNA decay, and only impacts the last 6.5% of the protein. However, premature stop codons are typically deleterious in nature and the impacted region is critical for protein function and a significant portion of the protein is affected (Ambry internal data). This variant was reported in an individual diagnosed with a gastrointestinal stromal tumor (Mandelker D et al. NPJ Precis Oncol, 2023 Jan;7:1; Fiala EM et al. Nat Cancer, 2021 Mar;2:357-365). This variant is considered to be rare based on population cohorts in the Genome Aggregation Database (gnomAD). Based on the supporting evidence, this variant is interpreted as a disease-causing mutation.

GeneDx
Classification: Likely pathogenic. Last evaluated: 2022-05-28. Review status: criteria provided, single submitter. Criteria: GeneDx Variant Classification Process June 2021. Collection method: clinical testing. Allele origin: germline. Affected: yes.
Comment: Nonsense variant predicted to result in protein truncation as the last 43 amino acids are lost, although loss-of-function variants have not been reported downstream of this position in the protein; Not observed at significant frequency in large population cohorts (gnomAD); Observed in an individual with personal history of gastrointestinal stromal tumor (Fiala 2021); This variant is associated with the following publications: (PMID: 34308366, 23633203, 28873162)

Department of Pediatrics, Memorial Sloan Kettering Cancer Center
Classification: Likely pathogenic for Pheochromocytoma/paraganglioma syndrome 5. Last evaluated: 2020-12-15. Review status: criteria provided, single submitter. Criteria: ACMG Guidelines, 2015. Collection method: research. Allele origin: germline. Affected: yes.

Labcorp Genetics (formerly Invitae), Labcorp
Classification: Uncertain significance for Pheochromocytoma/paraganglioma syndrome 5; Mitochondrial complex II deficiency, nuclear type 1. Last evaluated: 2018-10-30. Review status: criteria provided, single submitter. Criteria: Invitae Variant Classification Sherloc (09022015). Collection method: clinical testing. Allele origin: germline.
Comment: This variant has not been reported in the literature in individuals with SDHA-related disease. This variant is not present in population databases (ExAC no frequency). This sequence change results in a premature translational stop signal in the SDHA gene (p.Trp622*). While this is not anticipated to result in nonsense mediated decay, it is expected to disrupt the last 43 amino acids of the SDHA protein. Experimental studies and prediction algorithms are not available for this variant, and the functional significance of the affected amino acid(s) is currently unknown. In summary, the available evidence is currently insufficient to determine the role of this variant in disease. Therefore, it has been classified as a Variant of Uncertain Significance.

Literature cited by the submitters: PubMed 34308366 (cited by Ambry Genetics); PubMed 36593350 (cited by Ambry Genetics); PubMed 28873162 (cited by Department of Pediatrics, Memorial Sloan Kettering Cancer Center).